The following is an entry in ClinVar:

ClinVar aggregate classification (germline): Uncertain significance (1 of 4 stars; one submission).

Conditions:
Cystic fibrosis (CF). Also called: MUCOVISCIDOSIS. Identifiers: Orphanet 586, MedGen C0010674, MONDO:0009061, OMIM 219700. Disease mechanism: loss of function.

Allele frequency attached by ClinVar (database versions not stated): gnomAD exomes below 0.00001.
gnomAD v4.1: 1 of 1,537,622 alleles (0.000065%); highest among the groups gnomAD compares: Non-Finnish European, 0.000087%; no homozygotes.

Submission:

Labcorp Genetics (formerly Invitae), Labcorp
Classification: Uncertain significance for Cystic fibrosis. Last evaluated: 2022-09-12. Review status: criteria provided, single submitter. Criteria: Invitae Variant Classification Sherloc (09022015). Collection method: clinical testing. Allele origin: germline.
Comment: This sequence change affects codon 830 of the CFTR mRNA. It is a 'silent' change, meaning that it does not change the encoded amino acid sequence of the CFTR protein. This variant also falls at the last nucleotide of exon 14, which is part of the consensus splice site for this exon. This variant is not present in population databases (gnomAD no frequency). This variant has not been reported in the literature in individuals affected with CFTR-related conditions. Variants that disrupt the consensus splice site are a relatively common cause of aberrant splicing (PMID: 17576681, 9536098). Algorithms developed to predict the effect of sequence changes on RNA splicing suggest that this variant may create or strengthen a splice site. In summary, the available evidence is currently insufficient to determine the role of this variant in disease. Therefore, it has been classified as a Variant of Uncertain Significance.

Literature cited by the submitters: PubMed 17576681; PubMed 9536098.

NM_000492.4(CFTR):c.2490G>A (p.Lys830=)

Gene: CFTR (CF transmembrane conductance regulator; plus strand). Cytogenetic location: 7q31.2.
Variant type: single nucleotide variant.
Coding change: c.2490G>A on transcript NM_000492.4 (MANE Select); coding-DNA position 2490, G replaced by A.
Protein change: p.Lys830=; no amino-acid change (lysine 830 retained).
Molecular consequence: synonymous variant.
Genome position (GRCh38, 1-based): chr7:117,592,657, G>A. VCF-style: chr7-117592657-G-A. GRCh37 (hg19) VCF-style: chr7-117232711-G-A.
Identifiers: ClinVar variation 2153242 (VCV002153242.1), dbSNP rs2485110975, ClinGen allele CA457448992.